The following is an entry in ClinVar:

NM_006206.6(PDGFRA):c.412G>A (p.Val138Ile)

Gene: PDGFRA (platelet derived growth factor receptor alpha; plus strand). Cytogenetic location: 4q12.
Variant type: single nucleotide variant.
Coding change: c.412G>A on transcript NM_006206.6 (MANE Select); coding-DNA position 412, G replaced by A.
Protein change: p.Val138Ile; replaces valine 138 with isoleucine.
Molecular consequence: missense variant.
Genome position (GRCh38, 1-based): chr4:54,263,711, G>A. VCF-style: chr4-54263711-G-A. GRCh37 (hg19) VCF-style: chr4-55129878-G-A.
Other names: c.412G>A, p.Val138Ile (NM_001347827.2, NM_001347829.2); c.487G>A, p.Val163Ile (NM_001347828.2); c.451G>A, p.Val151Ile (NM_001347830.2); short protein forms V138I, V151I, V163I.
Identifiers: ClinVar variation 3364182 (VCV003364182.2).
Genomic context (GRCh38, chr4:54,263,711, plus strand): 5'-CTTTTTTAAACCACAGACCCAGATGTAGCCTTTGTACCTCTAGGAATGACGGATTATTTA[G>A]TCATCGTGGAGGATGATGATTCTGCCATTATACCTTGTCGCACAACTGATCCCGAGACTC-3'
Protein context (NP_006197.1, residues 128-148): FVPLGMTDYL[Val138Ile]IVEDDDSAII

ClinVar aggregate classification (germline): Uncertain significance. Review status: criteria provided, multiple submitters, no conflicts (2 of 4 stars). 2 submissions from 2 submitters: Uncertain significance (2). Last evaluated 2025-02-08.

Conditions:
Hereditary cancer-predisposing syndrome. Also called: Tumor predisposition; Neoplastic Syndromes, Hereditary; Hereditary neoplastic syndrome; Hereditary Cancer Syndrome. Identifiers: Orphanet 140162, MedGen C0027672, MeSH D009386, MONDO:0015356.

Submissions (2):

Ambry Genetics
Classification: Uncertain significance for Hereditary cancer-predisposing syndrome. Last evaluated: 2025-02-08. Review status: criteria provided, single submitter. Criteria: Ambry Variant Classification Scheme 2023. Collection method: clinical testing. Allele origin: germline.
Comment: The p.V138I variant (also known as c.412G>A), located in coding exon 3 of the PDGFRA gene, results from a G to A substitution at nucleotide position 412. The valine at codon 138 is replaced by isoleucine, an amino acid with highly similar properties. This amino acid position is conserved. In addition, this alteration is predicted to be tolerated by in silico analysis. Based on the available evidence, the clinical significance of this variant remains unclear.

GeneDx
Classification: Uncertain significance. Last evaluated: 2023-11-09. Review status: criteria provided, single submitter. Criteria: GeneDx Variant Classification Process June 2021. Collection method: clinical testing. Allele origin: germline. Affected: yes.
Comment: Not observed at significant frequency in large population cohorts (gnomAD); In silico analysis supports that this missense variant does not alter protein structure/function; Has not been previously published as pathogenic or benign to our knowledge